The following is an entry in ClinVar:

NM_007294.4(BRCA1):c.4845T>C (p.Ala1615=)

Gene: BRCA1 (BRCA1 DNA repair associated; minus strand). Cytogenetic location: 17q21.31.
Variant type: single nucleotide variant.
Coding change: c.4845T>C on transcript NM_007294.4 (MANE Select); coding-DNA position 4845, T replaced by C.
Protein change: p.Ala1615=; no amino-acid change (alanine 1615 retained).
Molecular consequence: synonymous variant. On other transcripts: intron variant (1).
Genome position (GRCh38, 1-based): chr17:43,071,069, A>G on the plus strand (T>C on the coding strand, the complement: BRCA1 is on the minus strand). VCF-style: chr17-43071069-A-G. GRCh37 (hg19) VCF-style: chr17-41223086-A-G.
Other names: c.4704T>C, p.Ala1568= (NM_001407698.1, NM_001407724.1, NM_001407725.1 and 13 more transcripts); c.4701T>C, p.Ala1567= (NM_001407732.1, NM_001407733.1, NM_001407734.1 and 21 more transcripts); c.4698T>C, p.Ala1566= (NM_001407838.1, NM_001407839.1, NM_001407841.1 and 12 more transcripts); c.4845T>C, p.Ala1615= (NM_001407854.1, NM_001407593.1, NM_001407594.1 and 8 more transcripts); c.4842T>C, p.Ala1614= (NM_001407858.1, NM_001407859.1, NM_001407860.1 and 17 more transcripts); c.4839T>C, p.Ala1613= (NM_001407861.1, NM_001407627.1, NM_001407628.1 and 14 more transcripts); c.4644T>C, p.Ala1548= (NM_001407862.1); c.4719T>C, p.Ala1573= (NM_001407863.1, NM_001407939.1, NM_001407940.1 and 11 more transcripts); and 71 more.
Identifiers: ClinVar variation 184340 (VCV000184340.24), dbSNP rs144588397, ClinGen allele CA003051.

ClinVar aggregate classification (germline): Likely benign. Review status: reviewed by expert panel (3 of 4 stars). 7 submissions from 7 submitters: Likely benign (1). 6 of the submissions do not count toward it. Last evaluated 2017-06-29.

Conditions:
Hereditary breast ovarian cancer syndrome. Also called: Hereditary breast and ovarian cancer syndrome; Hereditary breast and ovarian cancer syndrome (HBOC); BRCA1- and BRCA2-Associated Hereditary Breast and Ovarian Cancer; Breast and ovarian cancer; Hereditary breast and ovarian cancer; Hereditary breast and/or ovarian cancer syndrome. Identifiers: Orphanet 145, MedGen C0677776, MeSH D061325, MONDO:0003582. Disease mechanism: loss of function.
Hereditary cancer-predisposing syndrome. Also called: Hereditary Cancer Syndrome; Hereditary neoplastic syndrome; Tumor predisposition; Neoplastic Syndromes, Hereditary. Identifiers: Orphanet 140162, MedGen C0027672, MeSH D009386, MONDO:0015356.
Breast-ovarian cancer, familial, susceptibility to, 1 (BROVCA1). Also called: OVARIAN CANCER, SUSCEPTIBILITY TO; BRCA1 Hereditary Breast and Ovarian Cancer. Identifiers: Orphanet 145, MedGen C2676676, MONDO:0011450, OMIM 604370. Disease mechanism: loss of function.

Allele frequency attached by ClinVar (database versions not stated): gnomAD exomes below 0.00001 and 0.00002; gnomAD 0.00001; TOPMed 0.00002; ESP Exome Variant Server 0.00008.
gnomAD v4.1: 36 of 1,614,060 alleles (0.0022%); highest among the groups gnomAD compares: Non-Finnish European, 0.0029%; no homozygotes.

Submissions (7):

Evidence-based Network for the Interpretation of Germline Mutant Alleles (ENIGMA)
Classification: Likely benign for Breast-ovarian cancer, familial, susceptibility to, 1. Last evaluated: 2017-06-29. Review status: reviewed by expert panel. Criteria: ENIGMA BRCA1/2 Classification Criteria (2017-06-29). Collection method: curation. Allele origin: germline.
Comment: Synonymous substitution variant, with low bioinformatic likelihood to result in a splicing aberration (Splicing prior probability 0.02).

Labcorp Genetics (formerly Invitae), Labcorp
Classification: Likely benign for Hereditary breast ovarian cancer syndrome. Last evaluated: 2025-11-22. Review status: criteria provided, single submitter. Criteria: Invitae Variant Classification Sherloc (09022015). Collection method: clinical testing. Allele origin: germline. Not counted in ClinVar's aggregate classification.

Quest Diagnostics Nichols Institute San Juan Capistrano
Classification: Likely benign. Last evaluated: 2025-03-14. Review status: criteria provided, single submitter. Criteria: Quest Diagnostics criteria. Collection method: clinical testing. Allele origin: unknown. Not counted in ClinVar's aggregate classification.

All of Us Research Program, National Institutes of Health
Classification: Likely benign for Breast-ovarian cancer, familial, susceptibility to, 1. Last evaluated: 2023-04-03. Review status: criteria provided, single submitter. Criteria: ACMG Guidelines, 2015. Collection method: clinical testing. Allele origin: germline. Inheritance: Autosomal dominant inheritance. Observed: 1 variant allele, 1 heterozygote. Not counted in ClinVar's aggregate classification.
Comment: This study involves interpretation of variants in research participants for the purpose of population health screening. Participant phenotype was not available at the time of variant classification. Additional details can be found in publication PMID: 35346344, PMCID: PMC8962531

Women's Health and Genetics/Laboratory Corporation of America, LabCorp
Classification: Likely benign. Last evaluated: 2019-08-21. Review status: criteria provided, single submitter. Criteria: LabCorp Variant Classification Summary - May 2015. Collection method: clinical testing. Allele origin: germline. Not counted in ClinVar's aggregate classification.

Ambry Genetics
Classification: Likely benign for Hereditary cancer-predisposing syndrome. Last evaluated: 2016-02-16. Review status: criteria provided, single submitter. Criteria: Ambry Variant Classification Scheme 2023. Collection method: clinical testing. Allele origin: germline. Not counted in ClinVar's aggregate classification.

Color Diagnostics, LLC DBA Color Health
Classification: Likely benign for Hereditary cancer-predisposing syndrome. Last evaluated: 2015-07-22. Review status: criteria provided, single submitter. Criteria: ACMG Guidelines, 2015. Collection method: clinical testing. Allele origin: germline. Not counted in ClinVar's aggregate classification.